The following is an entry in ClinVar:

NM_032043.3(BRIP1):c.1474-5T>G

Gene: BRIP1 (BRCA1 interacting DNA helicase 1; minus strand). Cytogenetic location: 17q23.2.
Variant type: single nucleotide variant.
Coding change: c.1474-5T>G on transcript NM_032043.3 (MANE Select); 5 bases into the intron before coding-DNA position 1474, T replaced by G.
Molecular consequence: intron variant.
Genome position (GRCh38, 1-based): chr17:61,784,429, A>C on the plus strand (T>G on the coding strand, the complement: BRIP1 is on the minus strand). VCF-style: chr17-61784429-A-C. GRCh37 (hg19) VCF-style: chr17-59861790-A-C.
Identifiers: ClinVar variation 2922302 (VCV002922302.3), dbSNP rs1288728720, ClinGen allele CA2740093865.

ClinVar aggregate classification (germline): Uncertain significance (1 of 4 stars; one submission).

Conditions:
Fanconi anemia complementation group J. Also called: BRIP1-Related Fanconi Anemia. Identifiers: Orphanet 84, MedGen C1836860, MONDO:0012187, OMIM 609054.
Familial cancer of breast. Also called: hereditary breast carcinoma; BREAST CANCER, FAMILIAL; Hereditary breast cancer. Identifiers: Orphanet 227535, MedGen C0346153, MONDO:0016419, OMIM 114480. Disease mechanism: loss of function.

Submission:

Labcorp Genetics (formerly Invitae), Labcorp
Classification: Uncertain significance for Familial cancer of breast; Fanconi anemia complementation group J. Last evaluated: 2024-01-19. Review status: criteria provided, single submitter. Criteria: Invitae Variant Classification Sherloc (09022015). Collection method: clinical testing. Allele origin: germline.
Comment: This sequence change falls in intron 10 of the BRIP1 gene. It does not directly change the encoded amino acid sequence of the BRIP1 protein. RNA analysis indicates that this variant induces altered splicing and may result in an absent or disrupted protein product. This variant is not present in population databases (gnomAD no frequency). This variant has not been reported in the literature in individuals affected with BRIP1-related conditions. Studies have shown that this variant results in skipping of exon 11 and introduces a premature termination codon (Invitae). The resulting mRNA is expected to undergo nonsense-mediated decay. In summary, the available evidence is currently insufficient to determine the role of this variant in disease. Therefore, it has been classified as a Variant of Uncertain Significance.